The following is an entry in ClinVar:

NM_014709.4(USP34):c.636T>C (p.Tyr212=)

Gene: USP34 (ubiquitin specific peptidase 34; minus strand). Cytogenetic location: 2p15.
Variant type: single nucleotide variant.
Coding change: c.636T>C on transcript NM_014709.4 (MANE Select); coding-DNA position 636, T replaced by C.
Protein change: p.Tyr212=; no amino-acid change (tyrosine 212 retained).
Molecular consequence: synonymous variant.
Genome position (GRCh38, 1-based): chr2:61,394,970, A>G on the plus strand (T>C on the coding strand, the complement: USP34 is on the minus strand). VCF-style: chr2-61394970-A-G. GRCh37 (hg19) VCF-style: chr2-61622105-A-G.
Identifiers: ClinVar variation 2650987 (VCV002650987.24), dbSNP rs557168566, ClinGen allele CA1677789.

ClinVar aggregate classification (germline): Likely benign (1 of 4 stars; one submission).

Allele frequency attached by ClinVar (database versions not stated): gnomAD 0.00009; ExAC 0.00010; gnomAD exomes 0.00012; TOPMed 0.00015.
gnomAD v4.1: 176 of 1,603,292 alleles (0.011%); highest among the groups gnomAD compares: Middle Eastern, 0.15%; no homozygotes.

Submission:

CeGaT Center for Human Genetics Tuebingen
Classification: Likely benign. Last evaluated: 2023-01-01. Review status: criteria provided, single submitter. Criteria: CeGaT Center For Human Genetics Tuebingen Variant Classification Criteria Version 2. Collection method: clinical testing. Allele origin: germline. Affected: yes. Observed: 1 variant allele.
Comment: USP34: BP4, BP7